The following is an entry in ClinVar:

NM_001365276.2(TNXB):c.8500G>C (p.Val2834Leu)

Gene: TNXB (tenascin XB; minus strand). Cytogenetic location: 6p21.33.
Variant type: single nucleotide variant.
Coding change: c.8500G>C on transcript NM_001365276.2 (MANE Select); coding-DNA position 8500, G replaced by C.
Protein change: p.Val2834Leu; replaces valine 2834 with leucine.
Molecular consequence: missense variant.
Genome position (GRCh38, 1-based): chr6:32,053,679, C>G on the plus strand (G>C on the coding strand, the complement: TNXB is on the minus strand). VCF-style: chr6-32053679-C-G. GRCh37 (hg19) VCF-style: chr6-32021456-C-G.
Other names: c.9241G>C, p.Val3081Leu (NM_001428335.1); c.8494G>C, p.Val2832Leu (NM_019105.8); short protein forms V2832L, V3081L, V2834L.
Identifiers: ClinVar variation 3972027 (VCV003972027.1).
Genomic context (GRCh38, chr6:32,053,679, plus strand): 5'-CTGTCACGGTCAGCTCCCCGAGGCGAGGCTTGTTGGGGGGCTCAGGGGTTGTGGTGGGCA[C>G]TGCTTGGGTGGTCTCTGCTTCATCCTCTGGAGCTGGACAGACACGTGTGGGGAGAGTGAG-3'
Protein context (NP_001352205.1, residues 2824-2844): PEDEAETTQA[Val2834Leu]PTTTPEPPNK

ClinVar aggregate classification (germline): Uncertain significance (1 of 4 stars; one submission).

Conditions:
Cardiovascular phenotype. Identifiers: MedGen CN230736.

Submission:

Ambry Genetics
Classification: Uncertain significance for Cardiovascular phenotype. Last evaluated: 2025-05-18. Review status: criteria provided, single submitter. Criteria: Ambry Variant Classification Scheme 2023. Collection method: clinical testing. Allele origin: germline.
Comment: The p.V2832L variant (also known as c.8494G>C), located in coding exon 24 of the TNXB gene, results from a G to C substitution at nucleotide position 8494. The valine at codon 2832 is replaced by leucine, an amino acid with highly similar properties. This amino acid position is conserved. In addition, this alteration is predicted to be tolerated by in silico analysis. Based on the available evidence, the clinical significance of this variant remains unclear.